The following is an entry in ClinVar:

ClinVar aggregate classification (germline): Uncertain significance (1 of 4 stars; one submission).

Conditions:
Hereditary cancer-predisposing syndrome. Also called: Hereditary neoplastic syndrome; Neoplastic Syndromes, Hereditary; Tumor predisposition; Hereditary Cancer Syndrome. Identifiers: Orphanet 140162, MedGen C0027672, MeSH D009386, MONDO:0015356.

Submission:

Ambry Genetics
Classification: Uncertain significance for Hereditary cancer-predisposing syndrome. Last evaluated: 2025-08-19. Review status: criteria provided, single submitter. Criteria: Ambry Variant Classification Scheme 2023. Collection method: clinical testing. Allele origin: germline.
Comment: The p.D520H variant (also known as c.1558G>C), located in coding exon 12 of the POT1 gene, results from a G to C substitution at nucleotide position 1558. The aspartic acid at codon 520 is replaced by histidine, an amino acid with similar properties. This amino acid position is conserved. In addition, this alteration is predicted to be tolerated by in silico analysis. Based on the available evidence, the clinical significance of this variant remains unclear.

NM_015450.3(POT1):c.1558G>C (p.Asp520His)

Gene: POT1 (protection of telomeres 1; minus strand). Cytogenetic location: 7q31.33.
Variant type: single nucleotide variant.
Coding change: c.1558G>C on transcript NM_015450.3 (MANE Select); coding-DNA position 1558, G replaced by C.
Protein change: p.Asp520His; replaces aspartic acid 520 with histidine.
Molecular consequence: missense variant. On other transcripts: non-coding transcript variant (2).
Genome position (GRCh38, 1-based): chr7:124,829,290, C>G on the plus strand (G>C on the coding strand, the complement: POT1 is on the minus strand). VCF-style: chr7-124829290-C-G. GRCh37 (hg19) VCF-style: chr7-124469344-C-G.
Other names: c.1165G>C, p.Asp389His (NM_001042594.2); short protein forms D389H, D520H.
Identifiers: ClinVar variation 4141946 (VCV004141946.1).